The following is an entry in ClinVar:

NM_015721.3(GEMIN4):c.1299C>T (p.Phe433=)

Gene: GEMIN4 (gem nuclear organelle associated protein 4; minus strand). Cytogenetic location: 17p13.3.
Variant type: single nucleotide variant.
Coding change: c.1299C>T on transcript NM_015721.3 (MANE Select); coding-DNA position 1299, C replaced by T.
Protein change: p.Phe433=; no amino-acid change (phenylalanine 433 retained).
Molecular consequence: synonymous variant.
Genome position (GRCh38, 1-based): chr17:746,744, G>A on the plus strand (C>T on the coding strand, the complement: GEMIN4 is on the minus strand). VCF-style: chr17-746744-G-A. GRCh37 (hg19) VCF-style: chr17-649984-G-A.
Identifiers: ClinVar variation 778650 (VCV000778650.20), dbSNP rs147516197, ClinGen allele CA8262671.

ClinVar aggregate classification (germline): Benign. Review status: criteria provided, multiple submitters, no conflicts (2 of 4 stars). 3 submissions from 3 submitters: Benign (3). Last evaluated 2026-09-01.

Allele frequency attached by ClinVar (database versions not stated): gnomAD 0.00600 and 0.00642; TOPMed 0.00625; ESP Exome Variant Server 0.00710; gnomAD exomes 0.00819 and 0.00857; 1000 Genomes Project 30x 0.00859; ExAC 0.00869; 1000 Genomes Project 0.00919.
gnomAD v4.1: 12,949 of 1,613,752 alleles (0.8%); highest among the groups gnomAD compares: Middle Eastern, 1.8%; 85 homozygotes.

Submissions (3):

CeGaT Center for Human Genetics Tuebingen
Classification: Benign. Last evaluated: 2026-09-01. Review status: criteria provided, single submitter. Criteria: CeGaT Center For Human Genetics Tuebingen Variant Classification Criteria Version 2. Collection method: clinical testing. Allele origin: germline. Affected: yes. Observed: 24 variant alleles.
Comment: GEMIN4: BP4, BS1, BS2

Labcorp Genetics (formerly Invitae), Labcorp
Classification: Benign. Last evaluated: 2019-12-31. Review status: criteria provided, single submitter. Criteria: Invitae Variant Classification Sherloc (09022015). Collection method: clinical testing. Allele origin: germline.

Breakthrough Genomics
Classification: Benign. Review status: criteria provided, single submitter. Criteria: ACMG Guidelines, 2015. Collection method: not provided. Allele origin: germline. Inheritance: Autosomal recessive inheritance. Affected: yes.